The following is an entry in ClinVar:

NM_000535.7(PMS2):c.286G>A (p.Ala96Thr)

Gene: PMS2 (PMS1 homolog 2, mismatch repair system component; minus strand). Cytogenetic location: 7p22.1.
Variant type: single nucleotide variant.
Coding change: c.286G>A on transcript NM_000535.7 (MANE Select); coding-DNA position 286, G replaced by A.
Protein change: p.Ala96Thr; replaces alanine 96 with threonine.
Molecular consequence: missense variant. On other transcripts: 5 prime UTR variant (9), non-coding transcript variant (1), intron variant (2).
Genome position (GRCh38, 1-based): chr7:6,003,757, C>T on the plus strand (G>A on the coding strand, the complement: PMS2 is on the minus strand). VCF-style: chr7-6003757-C-T. GRCh37 (hg19) VCF-style: chr7-6043388-C-T.
Other names: c.-120G>A (NM_001322003.2, NM_001322004.2, NM_001322005.2 and 3 more transcripts); c.286G>A, p.Ala96Thr (NM_001322006.2, NM_001322014.2); c.-599G>A (NM_001322011.2, NM_001322012.2); c.-199G>A (NM_001322015.2); c.35+215G>A (NM_001322008.2, NM_001322007.2); short protein forms A96T.
Identifiers: ClinVar variation 926255 (VCV000926255.11), dbSNP rs772740220, ClinGen allele CA366744654.

ClinVar aggregate classification (germline): Uncertain significance. Review status: criteria provided, multiple submitters, no conflicts (2 of 4 stars). 3 submissions from 3 submitters: Uncertain significance (3). Last evaluated 2025-03-04.

Conditions:
Hereditary nonpolyposis colorectal neoplasms. Identifiers: MedGen C0009405, MeSH D003123.
Hereditary cancer-predisposing syndrome. Also called: Neoplastic Syndromes, Hereditary; Tumor predisposition; Hereditary Cancer Syndrome; Hereditary neoplastic syndrome. Identifiers: Orphanet 140162, MedGen C0027672, MeSH D009386, MONDO:0015356.

Submissions (3):

Ambry Genetics
Classification: Uncertain significance for Hereditary cancer-predisposing syndrome. Last evaluated: 2025-03-04. Review status: criteria provided, single submitter. Criteria: Ambry Variant Classification Scheme 2023. Collection method: clinical testing. Allele origin: germline.
Comment: The p.A96T variant (also known as c.286G>A), located in coding exon 4 of the PMS2 gene, results from a G to A substitution at nucleotide position 286. The alanine at codon 96 is replaced by threonine, an amino acid with similar properties. This amino acid position is not well conserved in available vertebrate species. In addition, this alteration is predicted to be tolerated by in silico analysis. Based on the available evidence, the clinical significance of this variant remains unclear.

Labcorp Genetics (formerly Invitae), Labcorp
Classification: Uncertain significance for Hereditary nonpolyposis colorectal neoplasms. Last evaluated: 2022-02-10. Review status: criteria provided, single submitter. Criteria: Invitae Variant Classification Sherloc (09022015). Collection method: clinical testing. Allele origin: germline.
Comment: In summary, the available evidence is currently insufficient to determine the role of this variant in disease. Therefore, it has been classified as a Variant of Uncertain Significance. Advanced modeling of protein sequence and biophysical properties (such as structural, functional, and spatial information, amino acid conservation, physicochemical variation, residue mobility, and thermodynamic stability) performed at Invitae indicates that this missense variant is not expected to disrupt PMS2 protein function. ClinVar contains an entry for this variant (Variation ID: 926255). This variant has not been reported in the literature in individuals affected with PMS2-related conditions. This variant is not present in population databases (gnomAD no frequency). This sequence change replaces alanine, which is neutral and non-polar, with threonine, which is neutral and polar, at codon 96 of the PMS2 protein (p.Ala96Thr).

Color Diagnostics, LLC DBA Color Health
Classification: Uncertain significance for Hereditary cancer-predisposing syndrome. Last evaluated: 2020-02-11. Review status: criteria provided, single submitter. Criteria: ACMG Guidelines, 2015. Collection method: clinical testing. Allele origin: germline.
Comment: This missense variant replaces alanine with threonine at codon 96 of the PMS2 protein. Computational prediction suggests that this variant may not impact protein structure and function (internally defined REVEL score threshold <= 0.5, PMID: 27666373). Splice site prediction tools suggest that this variant may not impact RNA splicing. To our knowledge, functional studies have not been performed for this variant. This variant has not been reported in individuals affected with hereditary cancer in the literature. This variant has not been identified in the general population by the Genome Aggregation Database (gnomAD). The available evidence is insufficient to determine the role of this variant in disease conclusively. Therefore, this variant is classified as a Variant of Uncertain Significance.